The following is an entry in ClinVar:

NM_000138.5(FBN1):c.3225_3228dup (p.Ser1077fs)

Gene: FBN1 (fibrillin 1; minus strand). Cytogenetic location: 15q21.1.
Variant type: Duplication.
Coding change: c.3225_3228dup on transcript NM_000138.5 (MANE Select); coding-DNA positions 3225 to 3228, 4 bases duplicated (CATA; older notation c.3225_3228dupCATA).
Protein change: p.Ser1077fs; shifts the reading frame from serine 1077.
Molecular consequence: frameshift variant.
Genome position (GRCh38, 1-based): chr15:48,488,222-48,488,225, TATG duplicated on the plus strand (CATA on the coding strand, the reverse complement: FBN1 is on the minus strand). VCF-style (leftmost placement, unchanged base first): chr15-48488221-A-ATATG. GRCh37 (hg19) VCF-style: chr15-48780418-A-ATATG.
Other names: short protein forms S1077fs.
Identifiers: ClinVar variation 1075581 (VCV001075581.7), dbSNP rs2141294801, ClinGen allele CA2499222998.

ClinVar aggregate classification (germline): Pathogenic (1 of 4 stars; one submission).

Conditions:
Familial thoracic aortic aneurysm and aortic dissection (TAAD). Also called: Thoracic aortic aneurysms and dissections. Identifiers: Orphanet 91387, MedGen C4707243, MONDO:0019625.
Marfan syndrome (MFS). Also called: Marfan syndrome type 1; Marfan's syndrome; Marfan syndrome, classic; MARFAN SYNDROME, TYPE I; FBN1-Related Marfan Syndrome. Identifiers: Orphanet 284963, Orphanet 558, MedGen C0024796, MONDO:0007947, OMIM 154700.

Submission:

Labcorp Genetics (formerly Invitae), Labcorp
Classification: Pathogenic for Marfan syndrome; Familial thoracic aortic aneurysm and aortic dissection. Last evaluated: 2020-05-15. Review status: criteria provided, single submitter. Criteria: Invitae Variant Classification Sherloc (09022015). Collection method: clinical testing. Allele origin: germline.
Comment: For these reasons, this variant has been classified as Pathogenic. Loss-of-function variants in FBN1 are known to be pathogenic (PMID: 17657824, 19293843). This variant has not been reported in the literature in individuals with FBN1-related conditions. This variant is not present in population databases (ExAC no frequency). This sequence change creates a premature translational stop signal (p.Ser1077Hisfs*4) in the FBN1 gene. It is expected to result in an absent or disrupted protein product.

Literature cited by the submitters: PubMed 17657824; PubMed 19293843.